The following is an entry in ClinVar:

ClinVar aggregate classification (germline): Likely benign. Review status: criteria provided, multiple submitters, no conflicts (2 of 4 stars). 2 submissions from 2 submitters: Likely benign (2). Last evaluated 2025-07-16.

Conditions:
SRD5A3-congenital disorder of glycosylation. Also called: Congenital disorder of glycosylation type 1Q; CDG Iq; Ocular colobomas, ichthyosis, brain malformations and endocrine abnormalities; COLOBOMA, OCULAR, WITH ICHTHYOSIS, BRAIN MALFORMATIONS, AND ENDOCRINE ABNORMALITIES; SRD5A3-CDG. Identifiers: Orphanet 324737, MedGen C4317224, MONDO:0012885, OMIM 612379.

gnomAD v4.1: 2 of 1,613,906 alleles (0.00012%); highest among the groups gnomAD compares: Non-Finnish European, 0.00017%; no homozygotes.

Submissions (2):

Labcorp Genetics (formerly Invitae), Labcorp
Classification: Likely benign for SRD5A3-congenital disorder of glycosylation. Last evaluated: 2025-07-16. Review status: criteria provided, single submitter. Criteria: Invitae Variant Classification Sherloc (09022015). Collection method: clinical testing. Allele origin: germline.

CeGaT Center for Human Genetics Tuebingen
Classification: Likely benign. Last evaluated: 2024-07-01. Review status: criteria provided, single submitter. Criteria: CeGaT Center For Human Genetics Tuebingen Variant Classification Criteria Version 2. Collection method: clinical testing. Allele origin: germline. Affected: yes. Observed: 1 variant allele.
Comment: SRD5A3: BP4, BP7

NM_024592.5(SRD5A3):c.324T>A (p.Leu108=)

Gene: SRD5A3 (steroid 5 alpha-reductase 3; plus strand). Cytogenetic location: 4q12.
Variant type: single nucleotide variant.
Coding change: c.324T>A on transcript NM_024592.5 (MANE Select); coding-DNA position 324, T replaced by A.
Protein change: p.Leu108=; no amino-acid change (leucine 108 retained).
Molecular consequence: synonymous variant.
Genome position (GRCh38, 1-based): chr4:55,359,448, T>A. VCF-style: chr4-55359448-T-A. GRCh37 (hg19) VCF-style: chr4-56225615-T-A.
Other names: c.324T>A, p.Leu108= (NM_001410732.1).
Identifiers: ClinVar variation 3257340 (VCV003257340.18).